The following is an entry in ClinVar:

ClinVar aggregate classification (germline): Pathogenic (1 of 4 stars; one submission).

Conditions:
Deficiency of alpha-mannosidase (MANSA). Also called: LYSOSOMAL ALPHA-D-MANNOSIDASE DEFICIENCY; Alpha-Mannosidosis; Mannosidosis, alpha-, types I and II. Identifiers: Orphanet 61, MedGen C0024748, MONDO:0009561, OMIM 248500.

Submission:

Myriad Genetics, Inc.
Classification: Pathogenic for Deficiency of alpha-mannosidase. Last evaluated: 2024-01-22. Review status: criteria provided, single submitter. Criteria: Myriad Autosomal Dominant, Autosomal Recessive and X-Linked Classification Criteria (2023). Collection method: clinical testing. Allele origin: unknown.
Comment: NM_000528.3(MAN2B1):c.717G>A(W239*) is expected to be pathogenic in the context of alpha-mannosidosis. This variant is predicted to lead to an abnormal or absent protein product due to the creation of a premature termination codon in MAN2B1, a gene where loss-of-function variants are known to be pathogenic. Please note: this variant was assessed in the context of healthy population screening.

NM_000528.4(MAN2B1):c.717G>A (p.Trp239Ter)

Gene: MAN2B1 (mannosidase alpha class 2B member 1; minus strand). Cytogenetic location: 19p13.13.
Variant type: single nucleotide variant.
Coding change: c.717G>A on transcript NM_000528.4 (MANE Select); coding-DNA position 717, G replaced by A.
Protein change: p.Trp239Ter; replaces tryptophan 239 with a stop codon.
Molecular consequence: nonsense.
Genome position (GRCh38, 1-based): chr19:12,663,749, C>T on the plus strand (G>A on the coding strand, the complement: MAN2B1 is on the minus strand). VCF-style: chr19-12663749-C-T. GRCh37 (hg19) VCF-style: chr19-12774563-C-T.
Other names: c.717G>A, p.Trp239Ter (NM_001173498.2, NM_001440570.1); short protein forms W239*.
Identifiers: ClinVar variation 5012668 (VCV005012668.1).